The following is an entry in ClinVar:

NM_052947.4(ALPK2):c.5017T>C (p.Cys1673Arg)

Genes: ALPK2 (alpha kinase 2; minus strand), LOC130062577 (ATAC-STARR-seq lymphoblastoid active region 13389; plus strand). Cytogenetic location: 18q21.31.
Variant type: single nucleotide variant.
Coding change: c.5017T>C on transcript NM_052947.4 (MANE Select); coding-DNA position 5017, T replaced by C.
Protein change: p.Cys1673Arg; replaces cysteine 1673 with arginine.
Molecular consequence: missense variant.
Genome position (GRCh38, 1-based): chr18:58,535,170, A>G on the plus strand (T>C on the coding strand, the complement: ALPK2 is on the minus strand). VCF-style: chr18-58535170-A-G. GRCh37 (hg19) VCF-style: chr18-56202402-A-G.
Other names: short protein forms C1673R.
Identifiers: ClinVar variation 1744793 (VCV001744793.2), dbSNP rs2518873651, ClinGen allele CA402558888.

ClinVar aggregate classification (germline): Uncertain significance (1 of 4 stars; one submission).

Allele frequency attached by ClinVar (database versions not stated): gnomAD exomes below 0.00001.
gnomAD v4.1: 1 of 1,613,968 alleles (0.000062%); highest among the groups gnomAD compares: Non-Finnish European, 0.000085%; no homozygotes.

Submission:

Ambry Genetics
Classification: Uncertain significance. Last evaluated: 2022-03-12. Review status: criteria provided, single submitter. Criteria: Ambry Variant Classification Scheme 2023. Collection method: clinical testing. Allele origin: germline.
Comment: The p.C1673R variant (also known as c.5017T>C), located in coding exon 4 of the ALPK2 gene, results from a T to C substitution at nucleotide position 5017. The cysteine at codon 1673 is replaced by arginine, an amino acid with highly dissimilar properties. This amino acid position is conserved. In addition, this alteration is predicted to be tolerated by in silico analysis. Since supporting evidence is limited at this time, the clinical significance of this alteration remains unclear.